The following is an entry in ClinVar:

ClinVar aggregate classification (germline): Uncertain significance (1 of 4 stars; one submission).

Conditions:
Chédiak-Higashi syndrome (CHS). Also called: Chediak-Higashi Syndrome. Identifiers: Orphanet 167, MedGen C0007965, MONDO:0008963, OMIM 214500.

Allele frequency attached by ClinVar (database versions not stated): gnomAD exomes below 0.00001; ExAC 0.00001; gnomAD 0.00001.
gnomAD v4.1: 6 of 1,613,836 alleles (0.00037%); highest among the groups gnomAD compares: East Asian, 0.0067%; no homozygotes.

Submission:

Labcorp Genetics (formerly Invitae), Labcorp
Classification: Uncertain significance for Chédiak-Higashi syndrome. Last evaluated: 2021-10-14. Review status: criteria provided, single submitter. Criteria: Invitae Variant Classification Sherloc (09022015). Collection method: clinical testing. Allele origin: germline.
Comment: This sequence change falls in intron 50 of the LYST gene. It does not directly change the encoded amino acid sequence of the LYST protein. This variant is present in population databases (rs771955142, ExAC 0.01%). This variant has not been reported in the literature in individuals affected with LYST-related conditions. Algorithms developed to predict the effect of sequence changes on RNA splicing suggest that this variant may create or strengthen a splice site. In summary, the available evidence is currently insufficient to determine the role of this variant in disease. Therefore, it has been classified as a Variant of Uncertain Significance.

NM_000081.4(LYST):c.11039-20G>A

Gene: LYST (lysosomal trafficking regulator; minus strand). Cytogenetic location: 1q42.3.
Variant type: single nucleotide variant.
Coding change: c.11039-20G>A on transcript NM_000081.4 (MANE Select); 20 bases into the intron before coding-DNA position 11039, G replaced by A.
Molecular consequence: intron variant.
Genome position (GRCh38, 1-based): chr1:235,664,641, C>T on the plus strand (G>A on the coding strand, the complement: LYST is on the minus strand). VCF-style: chr1-235664641-C-T. GRCh37 (hg19) VCF-style: chr1-235827941-C-T.
Other names: c.11039-20G>A (NM_001301365.1).
Identifiers: ClinVar variation 1424265 (VCV001424265.5), dbSNP rs771955142, ClinGen allele CA1465223.